The following is an entry in ClinVar:

NM_018139.3(DNAAF2):c.1072G>A (p.Ala358Thr)

Gene: DNAAF2 (dynein axonemal assembly factor 2; minus strand). Cytogenetic location: 14q21.3.
Variant type: single nucleotide variant.
Coding change: c.1072G>A on transcript NM_018139.3 (MANE Select); coding-DNA position 1072, G replaced by A.
Protein change: p.Ala358Thr; replaces alanine 358 with threonine.
Molecular consequence: missense variant.
Genome position (GRCh38, 1-based): chr14:49,634,078, C>T on the plus strand (G>A on the coding strand, the complement: DNAAF2 is on the minus strand). VCF-style: chr14-49634078-C-T. GRCh37 (hg19) VCF-style: chr14-50100796-C-T.
Other names: c.1072G>A, p.Ala358Thr (NM_001083908.2); short protein forms A358T.
Identifiers: ClinVar variation 411174 (VCV000411174.7), dbSNP rs1060503179, ClinGen allele CA16614528.
Genomic context (GRCh38, chr14:49,634,078, plus strand): 5'-GGCCGTCAGTTCCGGACCGGTCCGCGGACTCTTCCGGCGCGGCGGCGGCGACGGCGACAG[C>T]GGGCTCCCGGCGCGCGGCCGGCAGCACCACTGGCAGCGTAACCACCAGCTGCCGCCGGGC-3'
Protein context (NP_060609.2, residues 348-368): VVLPAARREP[Ala358Thr]VAVAAAAPEE

ClinVar aggregate classification (germline): Uncertain significance. Review status: criteria provided, multiple submitters, no conflicts (2 of 4 stars). 2 submissions from 2 submitters: Uncertain significance (2). Last evaluated 2022-11-17.

Conditions:
Primary ciliary dyskinesia. Also called: Ciliary dyskinesia. Identifiers: Orphanet 244, MedGen C0008780, MONDO:0016575, HP:0012265.

Allele frequency attached by ClinVar (database versions not stated): gnomAD 0.00002; TOPMed 0.00003; gnomAD exomes 0.00005.

Submissions (2):

Ambry Genetics
Classification: Uncertain significance for Primary ciliary dyskinesia. Last evaluated: 2022-11-17. Review status: criteria provided, single submitter. Criteria: Ambry Variant Classification Scheme 2023. Collection method: clinical testing. Allele origin: germline.

Labcorp Genetics (formerly Invitae), Labcorp
Classification: Uncertain significance for Primary ciliary dyskinesia. Last evaluated: 2022-07-24. Review status: criteria provided, single submitter. Criteria: Invitae Variant Classification Sherloc (09022015). Collection method: clinical testing. Allele origin: germline.
Comment: This sequence change replaces alanine, which is neutral and non-polar, with threonine, which is neutral and polar, at codon 358 of the DNAAF2 protein (p.Ala358Thr). This variant is present in population databases (no rsID available, gnomAD 0.02%). This variant has not been reported in the literature in individuals affected with DNAAF2-related conditions. ClinVar contains an entry for this variant (Variation ID: 411174). Algorithms developed to predict the effect of missense changes on protein structure and function (SIFT, PolyPhen-2, Align-GVGD) all suggest that this variant is likely to be tolerated. In summary, the available evidence is currently insufficient to determine the role of this variant in disease. Therefore, it has been classified as a Variant of Uncertain Significance.